The following is an entry in ClinVar:

NM_003074.4(SMARCC1):c.-2C>G

Genes: SMARCC1 (SWI/SNF related BAF chromatin remodeling complex subunit C1; minus strand), LOC112935944 (Sharpr-MPRA regulatory region 56; plus strand). Cytogenetic location: 3p21.31.
Variant type: single nucleotide variant.
Coding change: c.-2C>G on transcript NM_003074.4 (MANE Select); 2 bases upstream of the start codon, C replaced by G.
Molecular consequence: 5 prime UTR variant.
Genome position (GRCh38, 1-based): chr3:47,781,799, G>C on the plus strand (C>G on the coding strand, the complement: SMARCC1 is on the minus strand). VCF-style: chr3-47781799-G-C. GRCh37 (hg19) VCF-style: chr3-47823289-G-C.
Identifiers: ClinVar variation 3907220 (VCV003907220.1).
Genomic context (GRCh38, chr3:47,781,799, plus strand): 5'-CCCGAGCCCGTGGCGCCTACCGCTGTCCCCGGCCCGCCGCCGCCCGCCGCTGCGGCCATC[G>C]TCGCAGCCCGTCGTCCCCACAGCCTGGCCCACCCCGGCCCTCGCGGTGTTTCCCGGTCGT-3'

ClinVar aggregate classification (germline): Uncertain significance (1 of 4 stars; one submission).

Submission:

Women's Health and Genetics/Laboratory Corporation of America, LabCorp
Classification: Uncertain significance. Last evaluated: 2025-06-11. Review status: criteria provided, single submitter. Criteria: LabCorp Variant Classification Summary - May 2015. Collection method: clinical testing. Allele origin: germline.
Comment: Variant summary: SMARCC1 c.-2C>G is located in the untranslated mRNA region upstream of the initiation codon. The variant was absent in 61174 control chromosomes. The available data on variant occurrences in the general population are insufficient to allow any conclusion about variant significance. To our knowledge, no occurrence of c.-2C>G in individuals affected with Hydrocephalus, Congenital, 5, Susceptibility To and no experimental evidence demonstrating its impact on protein function have been reported. No submitters have cited clinical-significance assessments for this variant to ClinVar. Based on the evidence outlined above, the variant was classified as uncertain significance.